The following is an entry in ClinVar:

NM_001923.5(DDB1):c.1034C>T (p.Ser345Phe)

Gene: DDB1 (damage specific DNA binding protein 1; minus strand). Cytogenetic location: 11q12.2.
Variant type: single nucleotide variant.
Coding change: c.1034C>T on transcript NM_001923.5 (MANE Select); coding-DNA position 1034, C replaced by T.
Protein change: p.Ser345Phe; replaces serine 345 with phenylalanine.
Molecular consequence: missense variant.
Genome position (GRCh38, 1-based): chr11:61,322,384, G>A on the plus strand (C>T on the coding strand, the complement: DDB1 is on the minus strand). VCF-style: chr11-61322384-G-A. GRCh37 (hg19) VCF-style: chr11-61089856-G-A.
Other names: short protein forms S345F.
Identifiers: ClinVar variation 2631278 (VCV002631278.1), dbSNP rs1358257831, ClinGen allele CA380664400.

ClinVar aggregate classification (germline): Uncertain significance (1 of 4 stars; one submission).

Conditions:
DDB1-related disorder. Also called: DDB1-related condition.

Submission:

PreventionGenetics, part of Exact Sciences
Classification: Uncertain significance for DDB1-related condition. Last evaluated: 2023-08-25. Review status: criteria provided, single submitter. Criteria: ACMG Guidelines, 2015. Collection method: clinical testing. Allele origin: germline.
Comment: The DDB1 c.1034C>T variant is predicted to result in the amino acid substitution p.Ser345Phe. To our knowledge, this variant has not been reported in the literature or in a large population database, indicating this variant is rare. At this time, the clinical significance of this variant is uncertain due to the absence of conclusive functional and genetic evidence.